The following is an entry in ClinVar:

ClinVar aggregate classification (germline): Uncertain significance. Review status: criteria provided, multiple submitters, no conflicts (2 of 4 stars). 4 submissions from 4 submitters: Uncertain significance (4). Last evaluated 2026-01-07.

Conditions:
Familial adenomatous polyposis 1 (FAP1). Also called: FAMILIAL ADENOMATOUS POLYPOSIS 1, ATTENUATED; POLYPOSIS, ADENOMATOUS INTESTINAL. Identifiers: MedGen C2713442, MONDO:0021056, OMIM 175100. Disease mechanism: loss of function.
Hereditary cancer-predisposing syndrome. Also called: Neoplastic Syndromes, Hereditary; Tumor predisposition; Hereditary Cancer Syndrome; Hereditary neoplastic syndrome. Identifiers: Orphanet 140162, MedGen C0027672, MeSH D009386, MONDO:0015356.

Submissions (4):

Labcorp Genetics (formerly Invitae), Labcorp
Classification: Uncertain significance for Familial adenomatous polyposis 1. Last evaluated: 2026-01-07. Review status: criteria provided, single submitter. Criteria: Invitae Variant Classification Sherloc (09022015). Collection method: clinical testing. Allele origin: germline.
Comment: This sequence change replaces arginine, which is basic and polar, with serine, which is neutral and polar, at codon 414 of the APC protein (p.Arg414Ser). This variant is present in population databases (no rsID available, gnomAD 0.006%). This variant has not been reported in the literature in individuals affected with APC-related conditions. ClinVar contains an entry for this variant (Variation ID: 231924). Invitae Evidence Modeling of protein sequence and biophysical properties (such as structural, functional, and spatial information, amino acid conservation, physicochemical variation, residue mobility, and thermodynamic stability) indicates that this missense variant is not expected to disrupt APC protein function with a negative predictive value of 95%. In summary, the available evidence is currently insufficient to determine the role of this variant in disease. Therefore, it has been classified as a Variant of Uncertain Significance.

KCCC/NGS Laboratory, Kuwait Cancer Control Center
Classification: Uncertain significance for Familial adenomatous polyposis 1. Last evaluated: 2023-07-07. Review status: criteria provided, single submitter. Criteria: ACMG Guidelines, 2015. Collection method: clinical testing. Allele origin: unknown. Affected: yes.
Comment: This sequence change replaces arginine with serine at codon 414 of the APC protein (p.Arg414Ser). The arginine residue is highly conserved and there is a moderate physicochemical difference between arginine and serine. This variant is present in population databases (ExAC) with a frequency of 0.0004%. ClinVar contains two entries for this variant (Variation ID: 231924) and both describe this variant as of uncertain significance. Algorithms developed to predict the effect of missense changes on protein structure and function do not agree on the potential impact of this missense change (SIFT: "Tolerated"; PolyPhen-2: "Possibly Damaging"; Align-GVGD: "Class C0"). Therefore, it has been classified as a Variant of Uncertain Significance.

Revvity Omics, Revvity
Classification: Uncertain significance. Last evaluated: 2023-02-13. Review status: criteria provided, single submitter. Criteria: ACMG Guidelines, 2015. Collection method: clinical testing. Allele origin: germline.

Ambry Genetics
Classification: Uncertain significance for Hereditary cancer-predisposing syndrome. Last evaluated: 2022-05-24. Review status: criteria provided, single submitter. Criteria: Ambry Variant Classification Scheme 2023. Collection method: clinical testing. Allele origin: germline.
Comment: The p.R414S variant (also known as c.1240C>A), located in coding exon 9 of the APC gene, results from a C to A substitution at nucleotide position 1240. The arginine at codon 414 is replaced by serine, an amino acid with dissimilar properties. This variant was not reported in population based cohorts in the following databases: Database of Single Nucleotide Polymorphisms (dbSNP), NHLBI Exome Sequencing Project (ESP), and 1000 Genomes Project. In the ESP, this variant was not observed in 6502 samples (13004 alleles) with coverage at this position. This amino acid position is highly conserved in available vertebrate species. In addition, in silico predictors for this gene do not accurately predict pathogenicity. To date, this alteration has been detected with an allele frequency of approximately 0.003% (greater than 32000 alleles tested) in our clinical cohort. Since supporting evidence is limited at this time, the clinical significance of p.R414S remains unclear.

NM_000038.6(APC):c.1240C>A (p.Arg414Ser)

Gene: APC (APC regulator of Wnt signaling pathway; plus strand). Cytogenetic location: 5q22.2.
Variant type: single nucleotide variant.
Coding change: c.1240C>A on transcript NM_000038.6 (MANE Select); coding-DNA position 1240, C replaced by A.
Protein change: p.Arg414Ser; replaces arginine 414 with serine.
Molecular consequence: missense variant.
Genome position (GRCh38, 1-based): chr5:112,819,272, C>A. VCF-style: chr5-112819272-C-A. GRCh37 (hg19) VCF-style: chr5-112154969-C-A.
Other names: c.1240C>A, p.Arg414Ser (NM_001127510.3, NM_001354895.2, NM_001354896.2); c.1186C>A, p.Arg396Ser (NM_001127511.3); c.1270C>A, p.Arg424Ser (NM_001354897.2); c.1165C>A, p.Arg389Ser (NM_001354898.2); c.1156C>A, p.Arg386Ser (NM_001354899.2); c.1063C>A, p.Arg355Ser (NM_001354900.2, NM_001354901.2); c.967C>A, p.Arg323Ser (NM_001354902.2); c.937C>A, p.Arg313Ser (NM_001354903.2); and 3 more; short protein forms R396S, R414S, R131S, R313S, R389S, R254S, R323S, R355S.
Identifiers: ClinVar variation 231924 (VCV000231924.17), dbSNP rs137854567, ClinGen allele CA10578311.